The following is an entry in ClinVar:

ClinVar aggregate classification (germline): Benign/Likely benign. Review status: criteria provided, multiple submitters, no conflicts (2 of 4 stars). 3 submissions from 3 submitters: Benign (1); Likely benign (2). Last evaluated 2024-04-26.

Conditions:
Familial cancer of breast. Also called: hereditary breast carcinoma; BREAST CANCER, FAMILIAL; Hereditary breast cancer. Identifiers: Orphanet 227535, MedGen C0346153, MONDO:0016419, OMIM 114480. Disease mechanism: loss of function.
Hereditary cancer-predisposing syndrome. Also called: Neoplastic Syndromes, Hereditary; Tumor predisposition; Hereditary Cancer Syndrome; Hereditary neoplastic syndrome. Identifiers: Orphanet 140162, MedGen C0027672, MeSH D009386, MONDO:0015356.
Ataxia-telangiectasia syndrome (AT). Also called: ATAXIA-TELANGIECTASIA, COMPLEMENTATION GROUP A; ATAXIA-TELANGIECTASIA, FRESNO VARIANT; Ataxia-telangiectasia; Ataxia-telangiectasia, complementation group D; AT, COMPLEMENTATION GROUP C; Ataxia-telangiectasia, complementation group E. Identifiers: Orphanet 100, MedGen C0004135, MONDO:0008840, OMIM 208900.

gnomAD v4.1: 2 of 1,613,070 alleles (0.00012%); highest among the groups gnomAD compares: African/African-American, 0.0013%; no homozygotes.

Submissions (3):

Myriad Genetics, Inc.
Classification: Benign for Familial cancer of breast. Last evaluated: 2024-04-26. Review status: criteria provided, single submitter. Criteria: Myriad Autosomal Dominant, Autosomal Recessive and X-Linked Classification Criteria (2023). Collection method: clinical testing. Allele origin: unknown.
Comment: This variant is considered benign. This variant is a silent/synonymous amino acid change and it is not expected to impact splicing.

Color Diagnostics, LLC DBA Color Health
Classification: Likely benign for Hereditary cancer-predisposing syndrome. Last evaluated: 2022-12-27. Review status: criteria provided, single submitter. Criteria: ACMG Guidelines, 2015. Collection method: clinical testing. Allele origin: germline.

Labcorp Genetics (formerly Invitae), Labcorp
Classification: Likely benign for Ataxia-telangiectasia syndrome. Last evaluated: 2022-03-08. Review status: criteria provided, single submitter. Criteria: Invitae Variant Classification Sherloc (09022015). Collection method: clinical testing. Allele origin: germline.

NM_000051.4(ATM):c.1329A>G (p.Leu443=)

Gene: ATM (ATM serine/threonine kinase; plus strand). Cytogenetic location: 11q22.3.
Variant type: single nucleotide variant.
Coding change: c.1329A>G on transcript NM_000051.4 (MANE Select); coding-DNA position 1329, A replaced by G.
Protein change: p.Leu443=; no amino-acid change (leucine 443 retained).
Molecular consequence: synonymous variant.
Genome position (GRCh38, 1-based): chr11:108,250,794, A>G. VCF-style: chr11-108250794-A-G. GRCh37 (hg19) VCF-style: chr11-108121521-A-G.
Other names: c.1329A>G, p.Leu443= (NM_001351834.2).
Identifiers: ClinVar variation 524458 (VCV000524458.9), dbSNP rs201460863, ClinGen allele CA476671923.
Genomic context (GRCh38, chr11:108,250,794, plus strand): 5'-TCCTGCAAGTTTACCTAACTGTGAGCTGTCTCCATTACTGATGATACTATCTCAGCTTCT[A>G]CCCCAACAGCGACATGGGGAACGTACACCATATGTGTTACGATGCCTTACGGAAGTTGCA-3'
Protein context (NP_000042.3, residues 433-453): SPLLMILSQL[Leu443=]PQQRHGERTP